The following is an entry in ClinVar:

ClinVar aggregate classification (germline): Uncertain significance (1 of 4 stars; one submission).

Conditions:
Hereditary cancer-predisposing syndrome. Also called: Neoplastic Syndromes, Hereditary; Tumor predisposition; Hereditary Cancer Syndrome; Hereditary neoplastic syndrome. Identifiers: Orphanet 140162, MedGen C0027672, MeSH D009386, MONDO:0015356.

Submission:

Ambry Genetics
Classification: Uncertain significance for Hereditary cancer-predisposing syndrome. Last evaluated: 2024-07-23. Review status: criteria provided, single submitter. Criteria: Ambry Variant Classification Scheme 2023. Collection method: clinical testing. Allele origin: germline.
Comment: The p.T1689S variant (also known as c.5066C>G), located in coding exon 15 of the APC gene, results from a C to G substitution at nucleotide position 5066. The threonine at codon 1689 is replaced by serine, an amino acid with similar properties. This amino acid position is conserved. In addition, in silico predictors for this gene do not accurately predict pathogenicity. Based on the available evidence, the clinical significance of this variant remains unclear.

NM_000038.6(APC):c.5066C>G (p.Thr1689Ser)

Gene: APC (APC regulator of Wnt signaling pathway; plus strand). Cytogenetic location: 5q22.2.
Variant type: single nucleotide variant.
Coding change: c.5066C>G on transcript NM_000038.6 (MANE Select); coding-DNA position 5066, C replaced by G.
Protein change: p.Thr1689Ser; replaces threonine 1689 with serine.
Molecular consequence: missense variant. On other transcripts: non-coding transcript variant (2).
Genome position (GRCh38, 1-based): chr5:112,840,660, C>G. VCF-style: chr5-112840660-C-G. GRCh37 (hg19) VCF-style: chr5-112176357-C-G.
Other names: c.5066C>G, p.Thr1689Ser (NM_001127510.3, NM_001354895.2, NM_001407450.1); c.5012C>G, p.Thr1671Ser (NM_001127511.3); c.5120C>G, p.Thr1707Ser (NM_001354896.2, NM_001407447.1, NM_001407448.1 and 1 more transcripts); c.5096C>G, p.Thr1699Ser (NM_001354897.2); c.4991C>G, p.Thr1664Ser (NM_001354898.2); c.4982C>G, p.Thr1661Ser (NM_001354899.2); c.4943C>G, p.Thr1648Ser (NM_001354900.2); c.4889C>G, p.Thr1630Ser (NM_001354901.2, NM_001407453.1); and 11 more; short protein forms T1305S, T1529S, T1648S, T1689S, T1707S, T1406S, T1560S, T1563S.
Identifiers: ClinVar variation 3409747 (VCV003409747.1).